The following is an entry in ClinVar:

ClinVar aggregate classification (germline): Conflicting classifications of pathogenicity. Review status: criteria provided, conflicting classifications (1 of 4 stars). 4 submissions from 4 submitters: Uncertain significance (3); Likely benign (1). Last evaluated 2024-06-14.

Conditions:
Joubert syndrome 8 (JBTS8). Identifiers: Orphanet 475, MedGen C2676771, MONDO:0012855, OMIM 612291.

Allele frequency attached by ClinVar (database versions not stated): gnomAD exomes 0.00002 and 0.00006; gnomAD 0.00040 and 0.00036; TOPMed 0.00041; ExAC 0.00004; ESP Exome Variant Server 0.00023.
gnomAD v4.1: 82 of 1,613,708 alleles (0.0051%); highest among the groups gnomAD compares: African/African-American, 0.095%; no homozygotes.

Submissions (4):

Fulgent Genetics
Classification: Uncertain significance for Joubert syndrome 8. Last evaluated: 2024-06-14. Review status: criteria provided, single submitter. Criteria: ACMG Guidelines, 2015. Collection method: clinical testing. Allele origin: germline.

Blueprint Genetics
Classification: Likely benign. Last evaluated: 2023-11-13. Review status: criteria provided, single submitter. Criteria: ACMG Guidelines, 2015. Collection method: clinical testing. Allele origin: germline.

GeneDx
Classification: Uncertain significance. Last evaluated: 2022-10-19. Review status: criteria provided, single submitter. Criteria: GeneDx Variant Classification Process June 2021. Collection method: clinical testing. Allele origin: germline. Affected: yes.
Comment: In silico analysis supports that this missense variant does not alter protein structure/function; Has not been previously published as pathogenic or benign to our knowledge

Labcorp Genetics (formerly Invitae), Labcorp
Classification: Uncertain significance for Joubert syndrome 8. Last evaluated: 2022-10-13. Review status: criteria provided, single submitter. Criteria: Invitae Variant Classification Sherloc (09022015). Collection method: clinical testing. Allele origin: germline.
Comment: This sequence change replaces glutamine, which is neutral and polar, with histidine, which is basic and polar, at codon 297 of the ARL13B protein (p.Gln297His). This variant is present in population databases (rs140215698, gnomAD 0.09%). This variant has not been reported in the literature in individuals affected with ARL13B-related conditions. ClinVar contains an entry for this variant (Variation ID: 963414). Advanced modeling of protein sequence and biophysical properties (such as structural, functional, and spatial information, amino acid conservation, physicochemical variation, residue mobility, and thermodynamic stability) performed at Invitae indicates that this missense variant is not expected to disrupt ARL13B protein function. In summary, the available evidence is currently insufficient to determine the role of this variant in disease. Therefore, it has been classified as a Variant of Uncertain Significance.

NM_001174150.2(ARL13B):c.891A>T (p.Gln297His)

Gene: ARL13B (ARF like GTPase 13B; plus strand). Cytogenetic location: 3q11.2.
Variant type: single nucleotide variant.
Coding change: c.891A>T on transcript NM_001174150.2 (MANE Select); coding-DNA position 891, A replaced by T.
Protein change: p.Gln297His; replaces glutamine 297 with histidine.
Molecular consequence: missense variant. On other transcripts: non-coding transcript variant (2).
Genome position (GRCh38, 1-based): chr3:94,043,107, A>T. VCF-style: chr3-94043107-A-T. GRCh37 (hg19) VCF-style: chr3-93761951-A-T.
Other names: c.582A>T, p.Gln194His (NM_001174151.2); c.846A>T, p.Gln282His (NM_001321328.2); c.570A>T, p.Gln190His (NM_144996.4); c.891A>T, p.Gln297His (NM_182896.3); short protein forms Q282H, Q297H, Q190H, Q194H.
Identifiers: ClinVar variation 963414 (VCV000963414.6), dbSNP rs140215698, ClinGen allele CA2504204.